The following is an entry in ClinVar:

ClinVar aggregate classification (germline): Likely benign. Review status: criteria provided, multiple submitters, no conflicts (2 of 4 stars). 2 submissions from 2 submitters: Likely benign (2). Last evaluated 2026-05-15.

Conditions:
Epidermolysis bullosa simplex, Ogna type (EBS5A). Also called: Pidermolysis bullosa simplex 5A, Ogna type; EPIDERMOLYSIS BULLOSA SIMPLEX 5A, OGNA TYPE. Identifiers: Orphanet 79401, MedGen C0432317, MONDO:0007555, OMIM 131950.
Epidermolysis bullosa simplex with nail dystrophy (EBS5D). Identifiers: MedGen C4225309, MONDO:0014661, OMIM 616487.
Autosomal recessive limb-girdle muscular dystrophy type 2Q (LGMDR17). Also called: MUSCULAR DYSTROPHY, LIMB-GIRDLE, AUTOSOMAL RECESSIVE 17. Identifiers: Orphanet 254361, MedGen C3150989, MONDO:0013390, OMIM 613723.
Epidermolysis bullosa simplex 5B, with muscular dystrophy (EBS5B). Also called: EPIDERMOLYSIS BULLOSA SIMPLEX AND LIMB-GIRDLE MUSCULAR DYSTROPHY; Epidermolysis bullosa simplex with muscular dystrophy. Identifiers: Orphanet 257, MedGen C2931072, MONDO:0009181, OMIM 226670.
Epidermolysis bullosa simplex 5C, with pyloric atresia (EBS5C). Also called: Epidermolysis bullosa simplex with pyloric atresia; PLEC1-Related Epidermolysis Bullosa with Pyloric Atresia; PLEC-Related Epidermolysis Bullosa with Pyloric Atresia. Identifiers: Orphanet 158684, MedGen C2677349, MONDO:0012807, OMIM 612138.
PLEC-related disorder. Also called: PLEC-related condition; PLEC-related disorders.

Allele frequency attached by ClinVar (database versions not stated): gnomAD 0.00001; gnomAD exomes 0.00005; ExAC 0.00007.
gnomAD v4.1: 39 of 1,612,806 alleles (0.0024%); highest among the groups gnomAD compares: South Asian, 0.038%; no homozygotes.

Submissions (2):

PreventionGenetics, part of Exact Sciences
Classification: Likely benign for PLEC-related condition. Last evaluated: 2026-05-15. Review status: criteria provided, single submitter. Criteria: ACMG Guidelines, 2015. Collection method: clinical testing. Allele origin: germline.
Comment: This variant is classified as likely benign based on ACMG/AMP sequence variant interpretation guidelines (Richards et al. 2015 PMID: 25741868, with internal and published modifications).

Labcorp Genetics (formerly Invitae), Labcorp
Classification: Likely benign for Autosomal recessive limb-girdle muscular dystrophy type 2Q; Epidermolysis bullosa simplex, Ogna type; Epidermolysis bullosa simplex with nail dystrophy; Epidermolysis bullosa simplex 5C, with pyloric atresia; Epidermolysis bullosa simplex 5B, with muscular dystrophy. Last evaluated: 2022-09-27. Review status: criteria provided, single submitter. Criteria: Invitae Variant Classification Sherloc (09022015). Collection method: clinical testing. Allele origin: germline.

NM_201384.3(PLEC):c.10677T>C (p.Thr3559=)

Gene: PLEC (plectin; minus strand). Cytogenetic location: 8q24.3.
Variant type: single nucleotide variant.
Coding change: c.10677T>C on transcript NM_201384.3 (MANE Select); coding-DNA position 10677, T replaced by C.
Protein change: p.Thr3559=; no amino-acid change (threonine 3559 retained).
Molecular consequence: synonymous variant.
Genome position (GRCh38, 1-based): chr8:143,919,144, A>G on the plus strand (T>C on the coding strand, the complement: PLEC is on the minus strand). VCF-style: chr8-143919144-A-G. GRCh37 (hg19) VCF-style: chr8-144993312-A-G.
Other names: c.10758T>C, p.Thr3586= (NM_000445.5); c.10635T>C, p.Thr3545= (NM_201378.4); c.10611T>C, p.Thr3537= (NM_201379.3); c.11088T>C, p.Thr3696= (NM_201380.4); c.10581T>C, p.Thr3527= (NM_201381.3); c.10677T>C, p.Thr3559= (NM_201382.4); c.10689T>C, p.Thr3563= (NM_201383.3); c.10758T>C (NM_000445.4).
Identifiers: ClinVar variation 1554350 (VCV001554350.9), dbSNP rs781894610, ClinGen allele CA4924565.